The following is an entry in ClinVar:

NM_000384.3(APOB):c.1231G>T (p.Val411Phe)

Gene: APOB (apolipoprotein B; minus strand). Cytogenetic location: 2p24.1.
Variant type: single nucleotide variant.
Coding change: c.1231G>T on transcript NM_000384.3 (MANE Select); coding-DNA position 1231, G replaced by T.
Protein change: p.Val411Phe; replaces valine 411 with phenylalanine.
Molecular consequence: missense variant.
Genome position (GRCh38, 1-based): chr2:21,032,475, C>A on the plus strand (G>T on the coding strand, the complement: APOB is on the minus strand). VCF-style: chr2-21032475-C-A. GRCh37 (hg19) VCF-style: chr2-21255347-C-A.
Other names: short protein forms V411F.
Identifiers: ClinVar variation 5027812 (VCV005027812.1), dbSNP rs1663905114.

ClinVar aggregate classification (germline): Uncertain significance (1 of 4 stars; one submission).

Conditions:
Cardiovascular phenotype. Identifiers: MedGen CN230736.

Submission:

Ambry Genetics
Classification: Uncertain significance for Cardiovascular phenotype. Last evaluated: 2026-07-31. Review status: criteria provided, single submitter. Criteria: Ambry Variant Classification Scheme 2023. Collection method: clinical testing. Allele origin: germline.
Comment: The p.V411F variant (also known as c.1231G>T), located in coding exon 10 of the APOB gene, results from a G to T substitution at nucleotide position 1231. The valine at codon 411 is replaced by phenylalanine, an amino acid with highly similar properties. This amino acid position is conserved. In addition, this alteration is predicted to be tolerated by in silico analysis. Based on the available evidence, the clinical significance of this variant remains unclear.